The following is an entry in ClinVar:

ClinVar aggregate classification (germline): Uncertain significance. Review status: criteria provided, multiple submitters, no conflicts (2 of 4 stars). 2 submissions from 2 submitters: Uncertain significance (2). Last evaluated 2023-08-30.

Conditions:
Inborn genetic diseases. Identifiers: MedGen C0950123, MeSH D030342.

Submissions (2):

Labcorp Genetics (formerly Invitae), Labcorp
Classification: Uncertain significance. Last evaluated: 2023-08-30. Review status: criteria provided, single submitter. Criteria: Invitae Variant Classification Sherloc (09022015). Collection method: clinical testing. Allele origin: germline.
Comment: In summary, the available evidence is currently insufficient to determine the role of this variant in disease. Therefore, it has been classified as a Variant of Uncertain Significance. Advanced modeling of protein sequence and biophysical properties (such as structural, functional, and spatial information, amino acid conservation, physicochemical variation, residue mobility, and thermodynamic stability) has been performed at Invitae for this missense variant, however the output from this modeling did not meet the statistical confidence thresholds required to predict the impact of this variant on RXYLT1 protein function. ClinVar contains an entry for this variant (Variation ID: 1498859). This variant has not been reported in the literature in individuals affected with RXYLT1-related conditions. This variant is present in population databases (no rsID available, gnomAD 0.007%). This sequence change replaces cysteine, which is neutral and slightly polar, with tyrosine, which is neutral and polar, at codon 298 of the RXYLT1 protein (p.Cys298Tyr).

Ambry Genetics
Classification: Uncertain significance for Inborn genetic diseases. Last evaluated: 2022-08-16. Review status: criteria provided, single submitter. Criteria: Ambry Variant Classification Scheme 2023. Collection method: clinical testing. Allele origin: germline.

NM_014254.3(RXYLT1):c.893G>A (p.Cys298Tyr)

Gene: RXYLT1 (ribitol xylosyltransferase 1; plus strand). Cytogenetic location: 12q14.2.
Variant type: single nucleotide variant.
Coding change: c.893G>A on transcript NM_014254.3 (MANE Select); coding-DNA position 893, G replaced by A.
Protein change: p.Cys298Tyr; replaces cysteine 298 with tyrosine.
Molecular consequence: missense variant.
Genome position (GRCh38, 1-based): chr12:63,805,383, G>A. VCF-style: chr12-63805383-G-A. GRCh37 (hg19) VCF-style: chr12-64199163-G-A.
Other names: c.113G>A, p.Cys38Tyr (NM_001278237.2); c.893G>A (NM_014254.1); short protein forms C298Y, C38Y.
Identifiers: ClinVar variation 1498859 (VCV001498859.5), dbSNP rs758711626, ClinGen allele CA385659707.